The following is an entry in ClinVar:

NM_002900.3(RBP3):c.1207G>A (p.Ala403Thr)

Gene: RBP3 (retinol binding protein 3; plus strand). Cytogenetic location: 10q11.22.
Variant type: single nucleotide variant.
Coding change: c.1207G>A on transcript NM_002900.3 (MANE Select); coding-DNA position 1207, G replaced by A.
Protein change: p.Ala403Thr; replaces alanine 403 with threonine.
Molecular consequence: missense variant.
Genome position (GRCh38, 1-based): chr10:47,349,691, G>A. VCF-style: chr10-47349691-G-A. GRCh37 (hg19) VCF-style: chr10-48389671-C-T.
Other names: short protein forms A403T.
Identifiers: ClinVar variation 299985 (VCV000299985.9), dbSNP rs143857049, ClinGen allele CA5487576.
Genomic context (GRCh38, chr10:47,349,691, plus strand): 5'-CCCAGGCTCCTGGTGCGAGCCATCGGGCCCACAGAAACTCCTTCTTGGCCCGCGCCCGAC[G>A]CTGCAGCCGAAGACTCACCAGGGGTGGCCCCAGAGTTGCCTGAGGACGAGGCTATCCGGC-3'
Protein context (NP_002891.1, residues 393-413): TETPSWPAPD[Ala403Thr]AAEDSPGVAP

ClinVar aggregate classification (germline): Uncertain significance. Review status: criteria provided, multiple submitters, no conflicts (2 of 4 stars). 3 submissions from 3 submitters: Uncertain significance (3). Last evaluated 2024-11-26.

Conditions:
Retinitis pigmentosa (RP). Identifiers: Orphanet 791, MedGen C0035334, MeSH D012174, MONDO:0019200, OMIM 268000. Inheritance: Autosomal dominant, autosomal recessive and X linked inheritance.

Allele frequency attached by ClinVar (database versions not stated): gnomAD 0.00013 and 0.00014; 1000 Genomes Project 30x 0.00016; ExAC 0.00016; TOPMed 0.00016; gnomAD exomes 0.00018; 1000 Genomes Project 0.00020; ESP Exome Variant Server 0.00038.
gnomAD v4.1: 589 of 1,611,512 alleles (0.037%); highest among the groups gnomAD compares: Non-Finnish European, 0.047%; no homozygotes.

Submissions (3):

Blueprint Genetics
Classification: Uncertain significance. Last evaluated: 2024-11-26. Review status: criteria provided, single submitter. Criteria: ACMG Guidelines, 2015. Collection method: clinical testing. Allele origin: germline.

Labcorp Genetics (formerly Invitae), Labcorp
Classification: Uncertain significance. Last evaluated: 2022-08-12. Review status: criteria provided, single submitter. Criteria: Invitae Variant Classification Sherloc (09022015). Collection method: clinical testing. Allele origin: germline.
Comment: This sequence change replaces alanine, which is neutral and non-polar, with threonine, which is neutral and polar, at codon 403 of the RBP3 protein (p.Ala403Thr). This variant is present in population databases (rs143857049, gnomAD 0.03%). This variant has not been reported in the literature in individuals affected with RBP3-related conditions. ClinVar contains an entry for this variant (Variation ID: 299985). Algorithms developed to predict the effect of missense changes on protein structure and function output the following: SIFT: "Tolerated"; PolyPhen-2: "Benign"; Align-GVGD: "Class C0". The threonine amino acid residue is found in multiple mammalian species, which suggests that this missense change does not adversely affect protein function. In summary, the available evidence is currently insufficient to determine the role of this variant in disease. Therefore, it has been classified as a Variant of Uncertain Significance.

Illumina Laboratory Services, Illumina
Classification: Uncertain significance for Retinitis pigmentosa. Last evaluated: 2018-01-13. Review status: criteria provided, single submitter. Criteria: ICSL Variant Classification Criteria 13 December 2019. Collection method: clinical testing. Allele origin: germline.